The following is an entry in ClinVar:

ClinVar aggregate classification (germline): Uncertain significance (1 of 4 stars; one submission).

Conditions:
APOB-related disorder. Also called: APOB-related disorders; APOB-related condition.

Submission:

PreventionGenetics, part of Exact Sciences
Classification: Uncertain significance for APOB-related condition. Last evaluated: 2025-06-11. Review status: criteria provided, single submitter. Criteria: ACMG Guidelines, 2015. Collection method: clinical testing. Allele origin: germline.
Comment: The APOB c.1172C>T variant is predicted to result in the amino acid substitution p.Ser391Phe. To our knowledge, this variant has not been reported in the literature. This variant is reported in 0.0062% of alleles in individuals of African descent in gnomAD. At this time, the clinical significance of this variant is uncertain due to the absence of conclusive functional and genetic evidence.

NM_000384.3(APOB):c.1172C>T (p.Ser391Phe)

Gene: APOB (apolipoprotein B; minus strand). Cytogenetic location: 2p24.1.
Variant type: single nucleotide variant.
Coding change: c.1172C>T on transcript NM_000384.3 (MANE Select); coding-DNA position 1172, C replaced by T.
Protein change: p.Ser391Phe; replaces serine 391 with phenylalanine.
Molecular consequence: missense variant.
Genome position (GRCh38, 1-based): chr2:21,032,534, G>A on the plus strand (C>T on the coding strand, the complement: APOB is on the minus strand). VCF-style: chr2-21032534-G-A. GRCh37 (hg19) VCF-style: chr2-21255406-G-A.
Other names: short protein forms S391F.
Identifiers: ClinVar variation 4988661 (VCV004988661.1).